The following is an entry in ClinVar:

ClinVar aggregate classification (germline): Uncertain significance. Review status: no assertion criteria provided (0 of 4 stars). 2 submissions from 2 submitters: Uncertain significance (2). Last evaluated 2024-08-29.

Conditions:
PCDH15-related disorder. Also called: PCDH15-related condition; PCDH15-related disorders.
Usher syndrome type 1F (USH1F). Also called: USHER SYNDROME, TYPE IF. Identifiers: Orphanet 231169, Orphanet 886, MedGen C1865885, MONDO:0011186, OMIM 602083.

Submissions (2):

PreventionGenetics, part of Exact Sciences
Classification: Uncertain significance for PCDH15-related condition. Last evaluated: 2024-08-29. Review status: no assertion criteria provided. Collection method: clinical testing. Allele origin: germline.
Comment: The PCDH15 c.4733_4736dupTCAG variant is predicted to result in a frameshift and premature protein termination (p.Leu1580Glnfs*13). To our knowledge, this variant has not been reported in the literature. This variant is reported in 0.0029% of alleles in individuals of Latino descent in gnomAD. This variant occurs in the last exon of the PCDH15 alternatively spliced transcript known as CD1 (NM_033056), but this exon is not required for proper inner ear hair cell function and maintenance of hearing and is not included in the biologically relevant transcript for hearing loss known as CD2 (NM_001142769; Webb et al. 2011. PubMed ID: 21427143; Pepermans et al. 2014. PubMed ID: 24940003). Furthermore, loss of function variants in this exon of CD1 have been shown to occur at population frequencies inconsistent with pathogenicity (Perreault-Micale et al. 2014. PubMed ID: 25307757). This variant is interpreted as suspected benign.

Counsyl
Classification: Uncertain significance for Usher syndrome type 1F. Last evaluated: 2017-12-14. Review status: no assertion criteria provided. Collection method: clinical testing. Allele origin: unknown.

NM_033056.4(PCDH15):c.4733_4736dup (p.Leu1580fs)

Gene: PCDH15 (protocadherin related 15; minus strand). Cytogenetic location: 10q21.1.
Variant type: Microsatellite.
Coding change: c.4733_4736dup on transcript NM_033056.4 (MANE Plus Clinical); coding-DNA positions 4733 to 4736, 4 bases duplicated (TCAG; older notation c.4733_4736dupTCAG).
Protein change: p.Leu1580fs; shifts the reading frame from leucine 1580.
Molecular consequence: frameshift variant. On other transcripts: intron variant (8).
Genome position (GRCh38, 1-based): chr10:53,822,990-53,822,993, CTGA duplicated on the plus strand (TCAG on the coding strand, the reverse complement: PCDH15 is on the minus strand); duplicating any 4 consecutive bases within chr10:53,822,990-53,823,003 gives the same sequence; the c. name uses the placement nearest the transcript's 3' end. VCF-style (leftmost placement, unchanged base first): chr10-53822989-G-GCTGA. GRCh37 (hg19) VCF-style: chr10-55582749-G-GCTGA.
Other names: c.4667_4670dup, p.Leu1558fs (NM_001354404.2); c.4367+4392TCAG[4] (NM_001354420.2, NM_001354429.2); c.4368-2771TCAG[4] (NM_001384140.1); c.4373+2135TCAG[4] (NM_001142772.2, NM_001142770.3); c.4388+2135TCAG[4] (NM_001142771.2); c.4388+4392TCAG[4] (NM_001354411.2); c.4409+2135TCAG[4] (NM_001142769.3); c.4754_4757dup, p.Leu1587fs (NM_001142763.2); and 6 more; short protein forms L1558fs, L1540fs, L1557fs, L1577fs, L1511fs, L1560fs, L1580fs, L1582fs.
Identifiers: ClinVar variation 555630 (VCV000555630.3), dbSNP rs770063261, ClinGen allele CA593783040.
Genomic context (GRCh38, chr10:53,822,989, plus strand): 5'-CTGCTGCAGATCTATGATCTCTGGTCTATTTGGAACTTTCCTCATCAGCCTCCTGGGTAA[G>GCTGA]CTGACTGACTGACTCCACAGCCTCTGAATCTTTTCTCTTGGGCCCCTCAGAGACTTACTC-3'